The following is an entry in ClinVar:

ClinVar aggregate classification (germline): Uncertain significance (1 of 4 stars; one submission).

gnomAD v4.1: 5 of 1,610,544 alleles (0.00031%); highest among the groups gnomAD compares: Non-Finnish European, 0.00042%; no homozygotes.

Submission:

Labcorp Genetics (formerly Invitae), Labcorp
Classification: Uncertain significance. Last evaluated: 2021-09-30. Review status: criteria provided, single submitter. Criteria: Invitae Variant Classification Sherloc (09022015). Collection method: clinical testing. Allele origin: germline.
Comment: In summary, the available evidence is currently insufficient to determine the role of this variant in disease. Therefore, it has been classified as a Variant of Uncertain Significance. Experimental studies and prediction algorithms are not available or were not evaluated, and the functional significance of this variant is currently unknown. This variant has not been reported in the literature in individuals affected with COL18A1-related conditions. This variant is not present in population databases (ExAC no frequency). This sequence change replaces proline with alanine at codon 530 of the COL18A1 protein (p.Pro530Ala).

NM_001379500.1(COL18A1):c.1588C>G (p.Pro530Ala)

Gene: COL18A1 (collagen type XVIII alpha 1 chain; plus strand). Cytogenetic location: 21q22.3.
Variant type: single nucleotide variant.
Coding change: c.1588C>G on transcript NM_001379500.1 (MANE Select); coding-DNA position 1588, C replaced by G.
Protein change: p.Pro530Ala; replaces proline 530 with alanine.
Molecular consequence: missense variant.
Genome position (GRCh38, 1-based): chr21:45,480,835, C>G. VCF-style: chr21-45480835-C-G. GRCh37 (hg19) VCF-style: chr21-46900749-C-G.
Other names: c.2128C>G, p.Pro710Ala (NM_030582.4); c.2833C>G, p.Pro945Ala (NM_130444.3); short protein forms P710A, P530A, P945A.
Identifiers: ClinVar variation 1508188 (VCV001508188.4), dbSNP rs1276594534, ClinGen allele CA410517960.